The following is an entry in ClinVar:

NM_017534.6(MYH2):c.1573G>A (p.Glu525Lys)

Genes: MYH2 (myosin heavy chain 2; minus strand), MYHAS (myosin heavy chain gene cluster antisense RNA; plus strand). Cytogenetic location: 17p13.1.
Variant type: single nucleotide variant.
Coding change: c.1573G>A on transcript NM_017534.6 (MANE Select); coding-DNA position 1573, G replaced by A.
Protein change: p.Glu525Lys; replaces glutamic acid 525 with lysine.
Molecular consequence: missense variant.
Genome position (GRCh38, 1-based): chr17:10,537,679, C>T on the plus strand (G>A on the coding strand, the complement: MYH2 is on the minus strand). VCF-style: chr17-10537679-C-T. GRCh37 (hg19) VCF-style: chr17-10440996-C-T.
Other names: c.1573G>A, p.Glu525Lys (NM_001100112.2); short protein forms E525K.
Identifiers: ClinVar variation 1379765 (VCV001379765.8), dbSNP rs2142311074, ClinGen allele CA398156906.

ClinVar aggregate classification (germline): Uncertain significance (1 of 4 stars; one submission).

Conditions:
Myopathy, proximal, and ophthalmoplegia (CMYO6). Also called: MYOPATHY WITH CONGENITAL JOINT CONTRACTURES, OPHTHALMOPLEGIA, AND RIMMED VACUOLES; CONGENITAL MYOPATHY 6 WITH OPHTHALMOPLEGIA; INCLUSION BODY MYOPATHY 3, AUTOSOMAL DOMINANT. Identifiers: Orphanet 363677, Orphanet 79091, MedGen C1854106, MONDO:0011577, OMIM 605637.

Allele frequency attached by ClinVar (database versions not stated): gnomAD exomes below 0.00001.
gnomAD v4.1: 7 of 1,614,090 alleles (0.00043%); highest among the groups gnomAD compares: South Asian, 0.0033%; no homozygotes.

Submission:

Labcorp Genetics (formerly Invitae), Labcorp
Classification: Uncertain significance for Myopathy, proximal, and ophthalmoplegia. Last evaluated: 2021-02-14. Review status: criteria provided, single submitter. Criteria: Invitae Variant Classification Sherloc (09022015). Collection method: clinical testing. Allele origin: germline.
Comment: This variant has not been reported in the literature in individuals with MYH2-related conditions. In summary, the available evidence is currently insufficient to determine the role of this variant in disease. Therefore, it has been classified as a Variant of Uncertain Significance. Algorithms developed to predict the effect of missense changes on protein structure and function are either unavailable or do not agree on the potential impact of this missense change (SIFT: "Deleterious"; PolyPhen-2: "Benign"; Align-GVGD: "Class C55"). This variant is not present in population databases (ExAC no frequency). This sequence change replaces glutamic acid with lysine at codon 525 of the MYH2 protein (p.Glu525Lys). The glutamic acid residue is highly conserved and there is a small physicochemical difference between glutamic acid and lysine.